The following is an entry in ClinVar:

NM_080473.5(GATA5):c.1127_1128inv (p.Pro376Leu)

Gene: GATA5 (GATA binding protein 5; minus strand). Cytogenetic location: 20q13.33.
Variant type: Inversion.
Coding change: c.1127_1128inv on transcript NM_080473.5 (MANE Select).
Protein change: p.Pro376Leu; replaces proline 376 with leucine.
Molecular consequence: missense variant.
Genome position: GRCh38 VCF-style: chr20-62464902-TG-CA. GRCh37 (hg19) VCF-style: chr20-61039958-TG-CA.
Other names: short protein forms P376L.
Identifiers: ClinVar variation 1472155 (VCV001472155.8), ClinGen allele CA2573157260.

ClinVar aggregate classification (germline): Uncertain significance (1 of 4 stars; one submission).

Submission:

Labcorp Genetics (formerly Invitae), Labcorp
Classification: Uncertain significance. Last evaluated: 2025-10-13. Review status: criteria provided, single submitter. Criteria: Invitae Variant Classification Sherloc (09022015). Collection method: clinical testing. Allele origin: germline.
Comment: This sequence change replaces proline, which is neutral and non-polar, with leucine, which is neutral and non-polar, at codon 376 of the GATA5 protein (p.Pro376Leu). This variant is present in population databases (no rsID available, gnomAD 0.002%). This variant has not been reported in the literature in individuals affected with GATA5-related conditions. ClinVar contains an entry for this variant (Variation ID: 1472155). An algorithm developed to predict the effect of missense changes on protein structure and function (PolyPhen-2) suggests that this variant is likely to be tolerated. In summary, the available evidence is currently insufficient to determine the role of this variant in disease. Therefore, it has been classified as a Variant of Uncertain Significance.